The following is an entry in ClinVar:

ClinVar aggregate classification (germline): Uncertain significance (1 of 4 stars; one submission).

Conditions:
RASopathy. Also called: rasopathies; Noonan spectrum disorder. Identifiers: Orphanet 536391, MedGen C5555857, MONDO:0021060.

Allele frequency attached by ClinVar (database versions not stated): gnomAD exomes below 0.00001.
gnomAD v4.1: 1 of 1,610,528 alleles (0.000062%); highest among the groups gnomAD compares: Non-Finnish European, 0.000085%; no homozygotes.

Submission:

Labcorp Genetics (formerly Invitae), Labcorp
Classification: Uncertain significance for RASopathy. Last evaluated: 2018-08-12. Review status: criteria provided, single submitter. Criteria: Invitae Variant Classification Sherloc (09022015). Collection method: clinical testing. Allele origin: germline.
Comment: This variant has not been reported in the literature in individuals with CBL-related disease. This sequence change replaces proline with serine at codon 653 of the CBL protein (p.Pro653Ser). The proline residue is weakly conserved and there is a moderate physicochemical difference between proline and serine. This variant is not present in population databases (ExAC no frequency). Algorithms developed to predict the effect of missense changes on protein structure and function (SIFT, PolyPhen-2, Align-GVGD) all suggest that this variant is likely to be tolerated, but these predictions have not been confirmed by published functional studies and their clinical significance is uncertain. In summary, the available evidence is currently insufficient to determine the role of this variant in disease. Therefore, it has been classified as a Variant of Uncertain Significance.

NM_005188.4(CBL):c.1957C>T (p.Pro653Ser)

Gene: CBL (Cbl proto-oncogene; plus strand). Cytogenetic location: 11q23.3.
Variant type: single nucleotide variant.
Coding change: c.1957C>T on transcript NM_005188.4 (MANE Select); coding-DNA position 1957, C replaced by T.
Protein change: p.Pro653Ser; replaces proline 653 with serine.
Molecular consequence: missense variant.
Genome position (GRCh38, 1-based): chr11:119,287,867, C>T. VCF-style: chr11-119287867-C-T. GRCh37 (hg19) VCF-style: chr11-119158577-C-T.
Other names: short protein forms P653S.
Identifiers: ClinVar variation 648759 (VCV000648759.8), dbSNP rs1591265497, ClinGen allele CA382922259.